The following is an entry in ClinVar:

ClinVar aggregate classification (germline): Uncertain significance (1 of 4 stars; one submission).

Conditions:
Multiple congenital anomalies-hypotonia-seizures syndrome 1 (MCAHS1). Also called: PIGN-CDG; Congenital disorder of glycosylation due to PIGN deficiency; GLYCOSYLPHOSPHATIDYLINOSITOL BIOSYNTHESIS DEFECT 3. Identifiers: Orphanet 280633, MedGen C3279775, MONDO:0013563, OMIM 614080.

Allele frequency attached by ClinVar (database versions not stated): gnomAD exomes below 0.00001.
gnomAD v4.1: 2 of 1,584,814 alleles (0.00013%); highest among the groups gnomAD compares: East Asian, 0.0045%; no homozygotes.

Submission:

Labcorp Genetics (formerly Invitae), Labcorp
Classification: Uncertain significance for Multiple congenital anomalies-hypotonia-seizures syndrome 1. Last evaluated: 2022-05-17. Review status: criteria provided, single submitter. Criteria: Invitae Variant Classification Sherloc (09022015). Collection method: clinical testing. Allele origin: germline.
Comment: This sequence change replaces alanine, which is neutral and non-polar, with valine, which is neutral and non-polar, at codon 161 of the PIGN protein (p.Ala161Val). This variant is present in population databases (no rsID available, gnomAD 0.01%). In summary, the available evidence is currently insufficient to determine the role of this variant in disease. Therefore, it has been classified as a Variant of Uncertain Significance. Algorithms developed to predict the effect of missense changes on protein structure and function are either unavailable or do not agree on the potential impact of this missense change (SIFT: "Not Available"; PolyPhen-2: "Benign"; Align-GVGD: "Not Available"). This variant has not been reported in the literature in individuals affected with PIGN-related conditions.

NM_176787.5(PIGN):c.482C>T (p.Ala161Val)

Gene: PIGN (phosphatidylinositol glycan anchor biosynthesis class N; minus strand). Cytogenetic location: 18q21.33.
Variant type: single nucleotide variant.
Coding change: c.482C>T on transcript NM_176787.5 (MANE Select); coding-DNA position 482, C replaced by T.
Protein change: p.Ala161Val; replaces alanine 161 with valine.
Molecular consequence: missense variant.
Genome position (GRCh38, 1-based): chr18:62,154,612, G>A on the plus strand (C>T on the coding strand, the complement: PIGN is on the minus strand). VCF-style: chr18-62154612-G-A. GRCh37 (hg19) VCF-style: chr18-59821845-G-A.
Other names: c.482C>T, p.Ala161Val (NM_012327.6); short protein forms A161V.
Identifiers: ClinVar variation 1995498 (VCV001995498.4), dbSNP rs1347799456, ClinGen allele CA402602851.
Genomic context (GRCh38, chr18:62,154,612, plus strand): 5'-TTATCAAAAACCCACGTATCCAGTTTTGTTGCATCTTGAGCACCAAAATCCTCTCTTTTA[G>A]CATCATAACTATATGTATAAACGTGGTCTCCACTAGCACCTGAAAAGAAAATTTGGAAAA-3'
Protein context (NP_789744.1, residues 151-171): GDHVYTYSYD[Ala161Val]KREDFGAQDA